The following is an entry in ClinVar:

ClinVar aggregate classification (germline): Likely benign (1 of 4 stars; one submission).

Conditions:
ADGRV1-related disorder. Also called: ADGRV1-related disorders; ADGRV1-related condition.

Submission:

PreventionGenetics, part of Exact Sciences
Classification: Likely benign for ADGRV1-related condition. Last evaluated: 2024-10-07. Review status: criteria provided, single submitter. Criteria: ACMG Guidelines, 2015. Collection method: clinical testing. Allele origin: germline.
Comment: This variant is classified as likely benign based on ACMG/AMP sequence variant interpretation guidelines (Richards et al. 2015 PMID: 25741868, with internal and published modifications).

NM_032119.4(ADGRV1):c.6201G>A (p.Glu2067=)

Gene: ADGRV1 (adhesion G protein-coupled receptor V1; plus strand). Cytogenetic location: 5q14.3.
Variant type: single nucleotide variant.
Coding change: c.6201G>A on transcript NM_032119.4 (MANE Select); coding-DNA position 6201, G replaced by A.
Protein change: p.Glu2067=; no amino-acid change (glutamic acid 2067 retained).
Molecular consequence: synonymous variant. On other transcripts: non-coding transcript variant (1).
Genome position (GRCh38, 1-based): chr5:90,684,122, G>A. VCF-style: chr5-90684122-G-A. GRCh37 (hg19) VCF-style: chr5-89979939-G-A.
Identifiers: ClinVar variation 4982413 (VCV004982413.1).